The following is an entry in ClinVar:

NM_145059.3(FCSK):c.1586C>T (p.Ser529Phe)

Gene: FCSK (fucose kinase; plus strand). Cytogenetic location: 16q22.1.
Variant type: single nucleotide variant.
Coding change: c.1586C>T on transcript NM_145059.3 (MANE Select); coding-DNA position 1586, C replaced by T.
Protein change: p.Ser529Phe; replaces serine 529 with phenylalanine.
Molecular consequence: missense variant.
Genome position (GRCh38, 1-based): chr16:70,473,162, C>T. VCF-style: chr16-70473162-C-T. GRCh37 (hg19) VCF-style: chr16-70507065-C-T.
Other names: short protein forms S529F.
Identifiers: ClinVar variation 3624172 (VCV003624172.2).

ClinVar aggregate classification (germline): Uncertain significance (1 of 4 stars; one submission).

Submission:

Labcorp Genetics (formerly Invitae), Labcorp
Classification: Uncertain significance. Last evaluated: 2024-10-08. Review status: criteria provided, single submitter. Criteria: Invitae Variant Classification Sherloc (09022015). Collection method: clinical testing. Allele origin: germline.
Comment: This sequence change replaces serine, which is neutral and polar, with phenylalanine, which is neutral and non-polar, at codon 529 of the FUK protein (p.Ser529Phe). This variant is not present in population databases (gnomAD no frequency). This variant has not been reported in the literature in individuals affected with FUK-related conditions. An algorithm developed to predict the effect of missense changes on protein structure and function (PolyPhen-2) suggests that this variant is likely to be disruptive. In summary, the available evidence is currently insufficient to determine the role of this variant in disease. Therefore, it has been classified as a Variant of Uncertain Significance.